The following is an entry in ClinVar:

ClinVar aggregate classification (germline): Uncertain significance. Review status: criteria provided, multiple submitters, no conflicts (2 of 4 stars). 4 submissions from 4 submitters: Uncertain significance (4). Last evaluated 2025-07-13.

Conditions:
Cardiovascular phenotype. Identifiers: MedGen CN230736.
Familial hypercholesterolemia. Also called: Familial hypercholesterolemias; Familial hypercholesterolaemia. Identifiers: MedGen C0020445, MONDO:0005439.
Hypercholesterolemia, autosomal dominant, 3 (FHCL3). Also called: Familial hypercholesterolemia 3; Familial Hypercholesterolemia, Autosomal Dominant, 3; PCSK9-Related Familial Hypercholesterolemia, Autosomal Dominant. Identifiers: MedGen C1863551, MONDO:0011369, OMIM 603776.

Allele frequency attached by ClinVar (database versions not stated): gnomAD 0.00001; TOPMed 0.00003; gnomAD exomes 0.00004; ExAC 0.00006.
gnomAD v4.1: 43 of 1,613,048 alleles (0.0027%); highest among the groups gnomAD compares: South Asian, 0.014%; no homozygotes.

Submissions (4):

Labcorp Genetics (formerly Invitae), Labcorp
Classification: Uncertain significance for Hypercholesterolemia, autosomal dominant, 3. Last evaluated: 2025-07-13. Review status: criteria provided, single submitter. Criteria: Invitae Variant Classification Sherloc (09022015). Collection method: clinical testing. Allele origin: germline.
Comment: This sequence change replaces arginine, which is basic and polar, with cysteine, which is neutral and slightly polar, at codon 248 of the PCSK9 protein (p.Arg248Cys). This variant is present in population databases (rs779824389, gnomAD 0.01%). This variant has not been reported in the literature in individuals affected with PCSK9-related conditions. ClinVar contains an entry for this variant (Variation ID: 918181). Invitae Evidence Modeling of protein sequence and biophysical properties (such as structural, functional, and spatial information, amino acid conservation, physicochemical variation, residue mobility, and thermodynamic stability) indicates that this missense variant is expected to disrupt PCSK9 protein function with a positive predictive value of 80%. In summary, the available evidence is currently insufficient to determine the role of this variant in disease. Therefore, it has been classified as a Variant of Uncertain Significance.

Ambry Genetics
Classification: Uncertain significance for Cardiovascular phenotype. Last evaluated: 2025-04-19. Review status: criteria provided, single submitter. Criteria: Ambry Variant Classification Scheme 2023. Collection method: clinical testing. Allele origin: germline.
Comment: The p.R248C variant (also known as c.742C>T), located in coding exon 5 of the PCSK9 gene, results from a C to T substitution at nucleotide position 742. The arginine at codon 248 is replaced by cysteine, an amino acid with highly dissimilar properties. This amino acid position is not well conserved in available vertebrate species. In addition, the in silico prediction for this alteration is inconclusive. Since supporting evidence is limited at this time, the clinical significance of this alteration remains unclear.

Color Diagnostics, LLC DBA Color Health
Classification: Uncertain significance for Familial hypercholesterolemia. Last evaluated: 2024-04-29. Review status: criteria provided, single submitter. Criteria: ACMG Guidelines, 2015. Collection method: clinical testing. Allele origin: germline.
Comment: This missense variant replaces arginine with cysteine at codon 248 of the PCSK9 protein. Computational prediction tools indicate that this variant's impact on protein structure and function is inconclusive. To our knowledge, functional studies have not been reported for this variant. This variant has not been reported in individuals affected with PCSK9-related disorders in the literature. This variant has been identified in 11/248854 chromosomes in the general population by the Genome Aggregation Database (gnomAD). The available evidence is insufficient to determine the role of this variant in disease conclusively. Therefore, this variant is classified as a Variant of Uncertain Significance.

All of Us Research Program, National Institutes of Health
Classification: Uncertain significance for Hypercholesterolemia, autosomal dominant, 3. Last evaluated: 2023-12-13. Review status: criteria provided, single submitter. Criteria: ACMG Guidelines, 2015. Collection method: clinical testing. Allele origin: germline. Inheritance: Autosomal dominant inheritance. Observed: 8 variant alleles, 8 heterozygotes.
Comment: This missense variant replaces arginine with cysteine at codon 248 of the PCSK9 protein. Computational prediction is inconclusive regarding the impact of this variant on protein structure and function (internally defined REVEL score threshold 0.5 < inconclusive < 0.7, PMID: 27666373). To our knowledge, functional studies have not been reported for this variant. This variant has not been reported in individuals affected with familial hypercholesterolemia in the literature. This variant has been identified in 11/248854 chromosomes in the general population by the Genome Aggregation Database (gnomAD). The available evidence is insufficient to determine the role of this variant in disease conclusively. Therefore, this variant is classified as a Variant of Uncertain Significance.

This study involves interpretation of variants in research participants for the purpose of population health screening. Participant phenotype was not available at the time of variant classification. Additional details can be found in publication PMID: 35346344, PMCID: PMC8962531

NM_174936.4(PCSK9):c.742C>T (p.Arg248Cys)

Gene: PCSK9 (proprotein convertase subtilisin/kexin type 9; plus strand). Cytogenetic location: 1p32.3.
Variant type: single nucleotide variant.
Coding change: c.742C>T on transcript NM_174936.4 (MANE Select); coding-DNA position 742, C replaced by T.
Protein change: p.Arg248Cys; replaces arginine 248 with cysteine.
Molecular consequence: missense variant.
Genome position (GRCh38, 1-based): chr1:55,052,734, C>T. VCF-style: chr1-55052734-C-T. GRCh37 (hg19) VCF-style: chr1-55518407-C-T.
Other names: c.865C>T, p.Arg289Cys (NM_001407240.1); c.742C>T, p.Arg248Cys (NM_001407241.1, NM_001407244.1, NM_001407247.1); c.745C>T, p.Arg249Cys (NM_001407242.1); c.685C>T, p.Arg229Cys (NM_001407243.1); c.550C>T, p.Arg184Cys (NM_001407245.1); c.367C>T, p.Arg123Cys (NM_001407246.1); short protein forms R248C, R184C, R249C, R229C, R289C, R123C.
Identifiers: ClinVar variation 918181 (VCV000918181.13), dbSNP rs779824389, ClinGen allele CA044240.
Genomic context (GRCh38, chr1:55,052,734, plus strand): 5'-ACCCACCTGGCAGGGGTGGTCAGCGGCCGGGATGCCGGCGTGGCCAAGGGTGCCAGCATG[C>T]GCAGCCTGCGCGTGCTCAACTGCCAAGGGAAGGGCACGGTTAGCGGCACCCTCATAGGTA-3'
Protein context (NP_777596.2, residues 238-258): DAGVAKGASM[Arg248Cys]SLRVLNCQGK